The following is an entry in ClinVar:

ClinVar aggregate classification (germline): Uncertain significance (1 of 4 stars; one submission).

Conditions:
Cardiomyopathy (CMYO). Also called: Cardiomyopathies. Identifiers: Orphanet 167848, MedGen C0878544, MONDO:0004994, HP:0001638. Inheritance: Various modes of inheritance.

Submission:

Color Diagnostics, LLC DBA Color Health
Classification: Uncertain significance for Cardiomyopathy. Last evaluated: 2025-11-24. Review status: criteria provided, single submitter. Criteria: ACMG Guidelines, 2015. Collection method: clinical testing. Allele origin: germline.
Comment: Variant of Uncertain Significance due to insufficient evidence: This missense variant is located in the central rod domain of the DSP protein that is thought to form a dimeric coiled coil. Computational prediction tools and conservation analyses are inconclusive regarding the impact of this variant on the protein function. Computational splicing tools suggest that this variant may not impact RNA splicing. To our knowledge, functional assays have not been performed for this variant nor has this variant been reported in individuals affected with cardiovascular disorders in the literature. This variant is rare in the general population and has been identified in 0/277264 chromosomes by the Genome Aggregation Database (gnomAD). Available evidence is insufficient to determine the pathogenicity of this variant conclusively.

NM_004415.4(DSP):c.4420A>G (p.Lys1474Glu)

Gene: DSP (desmoplakin; plus strand). Cytogenetic location: 6p24.3.
Variant type: single nucleotide variant.
Coding change: c.4420A>G on transcript NM_004415.4 (MANE Select); coding-DNA position 4420, A replaced by G.
Protein change: p.Lys1474Glu; replaces lysine 1474 with glutamic acid.
Molecular consequence: missense variant. On other transcripts: intron variant (2).
Genome position (GRCh38, 1-based): chr6:7,580,610, A>G. VCF-style: chr6-7580610-A-G. GRCh37 (hg19) VCF-style: chr6-7580843-A-G.
Other names: c.4050+370A>G (NM_001319034.2); c.3582+838A>G (NM_001008844.3); short protein forms K1474E.
Identifiers: ClinVar variation 928012 (VCV000928012.6), dbSNP rs1235007628, ClinGen allele CA362686270.